The following is an entry in ClinVar:

ClinVar aggregate classification (germline): Pathogenic. Review status: criteria provided, multiple submitters, no conflicts (2 of 4 stars). 9 submissions from 9 submitters: Pathogenic (8). 1 of the submissions does not count toward it. Last evaluated 2026-01-08.

Conditions:
HADHA-related disorder. Also called: HADHA-related disorders; HADHA-related condition.
Mitochondrial trifunctional protein deficiency 1 (MTPD1). Identifiers: MedGen CN376812, MONDO:0958181, OMIM 609015.
Long chain 3-hydroxyacyl-CoA dehydrogenase deficiency. Also called: Deficiency of long-chain 3-hydroxyacyl-coenzyme A dehydrogenase; LCHAD Deficiency. Identifiers: Orphanet 5, MedGen C3711645, MONDO:0012173, OMIM 609016.
Mitochondrial trifunctional protein deficiency. Identifiers: Orphanet 746, MedGen C1969443, MONDO:0012172.

Allele frequency attached by ClinVar (database versions not stated): ExAC 0.00001; gnomAD exomes 0.00002; TOPMed 0.00002.
gnomAD v4.1: 33 of 1,605,776 alleles (0.0021%); highest among the groups gnomAD compares: Non-Finnish European, 0.0027%; no homozygotes.

Submissions (9):

Natera, Inc.
Classification: Pathogenic for Deficiency of long-chain 3-hydroxyacyl-coenzyme A dehydrogenase. Last evaluated: 2026-01-08. Review status: criteria provided, single submitter. Criteria: Natera Variant Classification Schema (03/2026). Collection method: clinical testing. Allele origin: germline.
Comment: The c.1678C>T variant in HADHA is a nonsense variant predicted to introduce a stop codon at amino acid 560. This variant is expected to result in nonsense mediated decay, truncation, or a dysfunctional protein product. This variant is rare in the general population with a frequency below the threshold expected for the associated phenotype(s). This variant has been observed in one or more individuals affected with the associated recessive disease, as either homozygous or compound heterozygous with a second variant (PMID: 10352164). Given the available evidence, this variant is classified as Pathogenic.

Labcorp Genetics (formerly Invitae), Labcorp
Classification: Pathogenic for Mitochondrial trifunctional protein deficiency; Long chain 3-hydroxyacyl-CoA dehydrogenase deficiency. Last evaluated: 2025-08-18. Review status: criteria provided, single submitter. Criteria: Invitae Variant Classification Sherloc (09022015). Collection method: clinical testing. Allele origin: germline.
Comment: This sequence change creates a premature translational stop signal (p.Arg560*) in the HADHA gene. It is expected to result in an absent or disrupted protein product. Loss-of-function variants in HADHA are known to be pathogenic (PMID: 7738175, 21103935, 21549624, 22459206). This variant is present in population databases (rs137852771, gnomAD 0.003%). This premature translational stop signal has been observed in individuals with mitochondrial trifunctional protein deficiency (PMID: 8865274, 27491397). ClinVar contains an entry for this variant (Variation ID: 8732). Algorithms developed to predict the effect of sequence changes on RNA splicing suggest that this variant may disrupt the consensus splice site. For these reasons, this variant has been classified as Pathogenic.

GeneDx
Classification: Pathogenic. Last evaluated: 2024-10-20. Review status: criteria provided, single submitter. Criteria: GeneDx Variant Classification Process June 2021. Collection method: clinical testing. Allele origin: germline. Affected: yes.
Comment: Not observed at significant frequency in large population cohorts (gnomAD); Nonsense variant predicted to result in protein truncation or nonsense mediated decay in a gene for which loss of function is a known mechanism of disease; This variant is associated with the following publications: (PMID: 25525159, 27491397, 21549624, 31980526, 22459206, 8865274, 7738175, 21103935)

Fulgent Genetics
Classification: Pathogenic for Mitochondrial trifunctional protein deficiency 1; Long chain 3-hydroxyacyl-CoA dehydrogenase deficiency. Last evaluated: 2024-03-22. Review status: criteria provided, single submitter. Criteria: ACMG Guidelines, 2015. Collection method: clinical testing. Allele origin: germline.

Baylor Genetics
Classification: Pathogenic for Long chain 3-hydroxyacyl-CoA dehydrogenase deficiency. Last evaluated: 2024-03-14. Review status: criteria provided, single submitter. Criteria: ACMG Guidelines, 2015. Collection method: clinical testing. Allele origin: unknown.

Blueprint Genetics
Classification: Pathogenic for HADHA-related disorders. Last evaluated: 2023-12-05. Review status: criteria provided, single submitter. Criteria: ACMG Guidelines, 2015. Collection method: clinical testing. Allele origin: germline. Affected: yes. Observed: 1 variant allele.

Laboratory of Medical Genetics, National & Kapodistrian University of Athens
Classification: Pathogenic for Long chain 3-hydroxyacyl-CoA dehydrogenase deficiency. Last evaluated: 2021-10-01. Review status: criteria provided, single submitter. Criteria: ACMG Guidelines, 2015. Collection method: clinical testing. Allele origin: unknown. Affected: yes.
Comment: PVS1, PM2, PP5

Women's Health and Genetics/Laboratory Corporation of America, LabCorp
Classification: Pathogenic for Mitochondrial trifunctional protein deficiency. Last evaluated: 2019-01-14. Review status: criteria provided, single submitter. Criteria: LabCorp Variant Classification Summary - May 2015. Collection method: clinical testing. Allele origin: germline.
Comment: Variant summary: HADHA c.1678C>T (p.Arg560X) results in a premature termination codon, predicted to cause a truncation of the encoded protein or absence of the protein due to nonsense mediated decay, which are commonly known mechanisms for disease. The variant allele was found at a frequency of 2e-05 in 246244 control chromosomes (gnomAD). c.1678C>T has been reported in the literature in homozygote and compound heterozygote individuals affected with Long Chain 3-Hydroxyacyl-CoA Dehydrogenase Deficiency (Boutron_2011, Boese_2016). The homozygote patient was found at a have a tritiated-palmitate levels of 13% and 3H-Pal/3H-Myr: normalized ratio between [9,10-3H]-palmitate and [9,10-3H]-myristate detritiation (both results expressed as percentages of the controls mean) of 0.6. This ratio is >0.85 in controls and other long chain fatty acid oxidation defects. No clinical diagnostic laboratories have submitted clinical-significance assessments for this variant to ClinVar after 2014. Based on the evidence outlined above, the variant was classified as pathogenic.

OMIM
Classification: Pathogenic for MITOCHONDRIAL TRIFUNCTIONAL PROTEIN DEFICIENCY 1. Last evaluated: 1996-09-01. Review status: no assertion criteria provided. Collection method: literature only. Allele origin: germline. Not counted in ClinVar's aggregate classification.

Literature cited by the submitters: PubMed 10352164 (cited by Natera, Inc.); PubMed 7738175 (cited by Labcorp Genetics (formerly Invitae), Labcorp); PubMed 21103935 (cited by Labcorp Genetics (formerly Invitae), Labcorp); PubMed 21549624 (cited by Labcorp Genetics (formerly Invitae), Labcorp and Women's Health and Genetics/Laboratory Corporation of America, LabCorp); PubMed 22459206 (cited by Labcorp Genetics (formerly Invitae), Labcorp); PubMed 8865274 (cited by Labcorp Genetics (formerly Invitae), Labcorp and OMIM); PubMed 27491397 (cited by Labcorp Genetics (formerly Invitae), Labcorp and Women's Health and Genetics/Laboratory Corporation of America, LabCorp).

NM_000182.5(HADHA):c.1678C>T (p.Arg560Ter)

Genes: GAREM2 (GRB2 associated regulator of MAPK1 subtype 2; plus strand), HADHA (hydroxyacyl-CoA dehydrogenase trifunctional multienzyme complex subunit alpha; minus strand). Cytogenetic location: 2p23.3.
Variant type: single nucleotide variant.
Coding change: c.1678C>T on transcript NM_000182.5 (MANE Select); coding-DNA position 1678, C replaced by T.
Protein change: p.Arg560Ter; replaces arginine 560 with a stop codon.
Molecular consequence: nonsense.
Genome position (GRCh38, 1-based): chr2:26,194,581, G>A on the plus strand (C>T on the coding strand, the complement: HADHA is on the minus strand). VCF-style: chr2-26194581-G-A. GRCh37 (hg19) VCF-style: chr2-26417450-G-A.
Other names: R524*; short protein forms R560*.
Identifiers: ClinVar variation 8732 (VCV000008732.24), dbSNP rs137852771, ClinGen allele CA340818.